The following is an entry in ClinVar:

ClinVar aggregate classification (germline): Uncertain significance (1 of 4 stars; one submission).

Conditions:
Inborn genetic diseases. Identifiers: MedGen C0950123, MeSH D030342.

gnomAD v4.1: 1 of 1,613,830 alleles (0.000062%); highest among the groups gnomAD compares: Non-Finnish European, 0.000085%; no homozygotes.

Submission:

Ambry Genetics
Classification: Uncertain significance for Inborn genetic diseases. Last evaluated: 2025-05-19. Review status: criteria provided, single submitter. Criteria: Ambry Variant Classification Scheme 2023. Collection method: clinical testing. Allele origin: germline.
Comment: The p.Q862P variant (also known as c.2585A>C), located in coding exon 1 of the SAMD9 gene, results from an A to C substitution at nucleotide position 2585. The glutamine at codon 862 is replaced by proline, an amino acid with similar properties. This amino acid position is conserved. In addition, the in silico prediction for this alteration is inconclusive. Based on the available evidence, the clinical significance of this variant remains unclear.

NM_017654.4(SAMD9):c.2585A>C (p.Gln862Pro)

Gene: SAMD9 (sterile alpha motif domain containing 9; minus strand). Cytogenetic location: 7q21.2.
Variant type: single nucleotide variant.
Coding change: c.2585A>C on transcript NM_017654.4 (MANE Select); coding-DNA position 2585, A replaced by C.
Protein change: p.Gln862Pro; replaces glutamine 862 with proline.
Molecular consequence: missense variant.
Genome position (GRCh38, 1-based): chr7:93,103,513, T>G on the plus strand (A>C on the coding strand, the complement: SAMD9 is on the minus strand). VCF-style: chr7-93103513-T-G. GRCh37 (hg19) VCF-style: chr7-92732826-T-G.
Other names: c.2585A>C, p.Gln862Pro (NM_001193307.2); short protein forms Q862P.
Identifiers: ClinVar variation 3949650 (VCV003949650.1).